The following is an entry in ClinVar:

ClinVar aggregate classification (germline): Uncertain significance. Review status: criteria provided, multiple submitters, no conflicts (2 of 4 stars). 3 submissions from 3 submitters: Uncertain significance (3). Last evaluated 2022-04-18.

Conditions:
Olivopontocerebellar hypoplasia. Identifiers: MedGen C1859341, HP:0006955.

Allele frequency attached by ClinVar (database versions not stated): gnomAD exomes 0.00003; ExAC 0.00007; TOPMed 0.00008; 1000 Genomes Project 0.00020; 1000 Genomes Project 30x 0.00047.
gnomAD v4.1: 77 of 1,546,940 alleles (0.005%); highest among the groups gnomAD compares: Admixed American, 0.069%; no homozygotes.

Submissions (3):

Labcorp Genetics (formerly Invitae), Labcorp
Classification: Uncertain significance. Last evaluated: 2022-04-18. Review status: criteria provided, single submitter. Criteria: Invitae Variant Classification Sherloc (09022015). Collection method: clinical testing. Allele origin: germline.
Comment: This sequence change replaces glutamine, which is neutral and polar, with arginine, which is basic and polar, at codon 394 of the TSEN54 protein (p.Gln394Arg). This variant is present in population databases (rs560589823, gnomAD 0.008%). This variant has not been reported in the literature in individuals affected with TSEN54-related conditions. ClinVar contains an entry for this variant (Variation ID: 160126). Algorithms developed to predict the effect of missense changes on protein structure and function output the following: SIFT: "Tolerated"; PolyPhen-2: "Benign"; Align-GVGD: "Class C0". The arginine amino acid residue is found in multiple mammalian species, which suggests that this missense change does not adversely affect protein function. In summary, the available evidence is currently insufficient to determine the role of this variant in disease. Therefore, it has been classified as a Variant of Uncertain Significance.

GeneDx
Classification: Uncertain significance. Last evaluated: 2022-04-08. Review status: criteria provided, single submitter. Criteria: GeneDx Variant Classification Process June 2021. Collection method: clinical testing. Allele origin: germline. Affected: yes.
Comment: Not observed at significant frequency in large population cohorts (gnomAD); In silico analysis supports that this missense variant does not alter protein structure/function; Has not been previously published as pathogenic or benign to our knowledge

Genetic Services Laboratory, University of Chicago
Classification: Uncertain significance for olivopontocerebellar hypoplasia. Last evaluated: 2013-08-22. Review status: criteria provided, single submitter. Criteria: ACMG Guidelines, 2007. Collection method: clinical testing. Allele origin: germline. Inheritance: Autosomal recessive inheritance.

NM_207346.3(TSEN54):c.1181A>G (p.Gln394Arg)

Gene: TSEN54 (tRNA splicing endonuclease subunit 54; plus strand). Cytogenetic location: 17q25.1.
Variant type: single nucleotide variant.
Coding change: c.1181A>G on transcript NM_207346.3 (MANE Select); coding-DNA position 1181, A replaced by G.
Protein change: p.Gln394Arg; replaces glutamine 394 with arginine.
Molecular consequence: missense variant.
Genome position (GRCh38, 1-based): chr17:75,522,262, A>G. VCF-style: chr17-75522262-A-G. GRCh37 (hg19) VCF-style: chr17-73518343-A-G.
Other names: short protein forms Q394R.
Identifiers: ClinVar variation 160126 (VCV000160126.9), dbSNP rs560589823, ClinGen allele CA173710.